The following is an entry in ClinVar:

NM_017636.4(TRPM4):c.2330G>A (p.Gly777Asp)

Gene: TRPM4 (transient receptor potential cation channel subfamily M member 4; plus strand). Cytogenetic location: 19q13.33.
Variant type: single nucleotide variant.
Coding change: c.2330G>A on transcript NM_017636.4 (MANE Select); coding-DNA position 2330, G replaced by A.
Protein change: p.Gly777Asp; replaces glycine 777 with aspartic acid.
Molecular consequence: missense variant. On other transcripts: intron variant (1).
Genome position (GRCh38, 1-based): chr19:49,196,559, G>A. VCF-style: chr19-49196559-G-A. GRCh37 (hg19) VCF-style: chr19-49699816-G-A.
Other names: c.1985G>A, p.Gly662Asp (NM_001321281.2); c.722G>A, p.Gly241Asp (NM_001321282.2); c.1808G>A, p.Gly603Asp (NM_001321283.2); c.1268G>A, p.Gly423Asp (NM_001321285.2); c.2211-3741G>A (NM_001195227.2); short protein forms G662D, G423D, G241D, G603D, G777D.
Identifiers: ClinVar variation 893742 (VCV000893742.14), dbSNP rs771427749, ClinGen allele CA9569529.

ClinVar aggregate classification (germline): Uncertain significance. Review status: criteria provided, multiple submitters, no conflicts (2 of 4 stars). 4 submissions from 4 submitters: Uncertain significance (4). Last evaluated 2025-12-14.

Conditions:
Progressive familial heart block type IB (PFHB1B). Identifiers: Orphanet 871, MedGen C1970298, MONDO:0011474, OMIM 604559.
Erythrokeratodermia variabilis et progressiva 6. Identifiers: MedGen C5193144, MONDO:0032801, OMIM 618531.
Cardiovascular phenotype. Identifiers: MedGen CN230736.

Allele frequency attached by ClinVar (database versions not stated): ExAC below 0.00001; TOPMed below 0.00001; gnomAD 0.00001; gnomAD exomes 0.00001.
gnomAD v4.1: 21 of 1,554,252 alleles (0.0014%); highest among the groups gnomAD compares: Non-Finnish European, 0.0017%; no homozygotes.

Submissions (4):

Labcorp Genetics (formerly Invitae), Labcorp
Classification: Uncertain significance for Progressive familial heart block type IB. Last evaluated: 2025-12-14. Review status: criteria provided, single submitter. Criteria: Invitae Variant Classification Sherloc (09022015). Collection method: clinical testing. Allele origin: germline.
Comment: This sequence change replaces glycine, which is neutral and non-polar, with aspartic acid, which is acidic and polar, at codon 777 of the TRPM4 protein (p.Gly777Asp). This variant is not present in population databases (gnomAD no frequency). This variant has not been reported in the literature in individuals affected with TRPM4-related conditions. ClinVar contains an entry for this variant (Variation ID: 893742). An algorithm developed to predict the effect of missense changes on protein structure and function (PolyPhen-2) suggests that this variant is likely to be disruptive. In summary, the available evidence is currently insufficient to determine the role of this variant in disease. Therefore, it has been classified as a Variant of Uncertain Significance.

Ambry Genetics
Classification: Uncertain significance for Cardiovascular phenotype. Last evaluated: 2022-08-20. Review status: criteria provided, single submitter. Criteria: Ambry Variant Classification Scheme 2023. Collection method: clinical testing. Allele origin: germline.
Comment: The p.G777D variant (also known as c.2330G>A), located in coding exon 17 of the TRPM4 gene, results from a G to A substitution at nucleotide position 2330. The glycine at codon 777 is replaced by aspartic acid, an amino acid with similar properties. This amino acid position is conserved. In addition, this alteration is predicted to be tolerated by in silico analysis. Since supporting evidence is limited at this time, the clinical significance of this alteration remains unclear.

Fulgent Genetics
Classification: Uncertain significance for Progressive familial heart block type IB; Erythrokeratodermia variabilis et progressiva 6. Last evaluated: 2021-07-07. Review status: criteria provided, single submitter. Criteria: ACMG Guidelines, 2015. Collection method: clinical testing. Allele origin: unknown.

Illumina Laboratory Services, Illumina
Classification: Uncertain significance for Progressive familial heart block type IB. Last evaluated: 2018-01-13. Review status: criteria provided, single submitter. Criteria: ICSL Variant Classification Criteria 13 December 2019. Collection method: clinical testing. Allele origin: germline.